The following is an entry in ClinVar:

ClinVar aggregate classification (germline): Conflicting classifications of pathogenicity. Review status: criteria provided, conflicting classifications (1 of 4 stars). 2 submissions from 2 submitters: Likely pathogenic (1); Uncertain significance (1). Last evaluated 2023-05-11.

Conditions:
Autism spectrum disorder. Also called: Autism spectrum disorders. Identifiers: MedGen C1510586, MeSH D000067877, MONDO:0005258.
Megalencephalic leukoencephalopathy with subcortical cysts 2B, remitting, with or without impaired intellectual development. Also called: Megalencephalic leukoencephalopathy with subcortical cysts 2B, remitting, with or without intellectual disability. Identifiers: Orphanet 2478, MedGen C3151356, MONDO:0013491, OMIM 613926.

Allele frequency attached by ClinVar (database versions not stated): gnomAD 0.00001 and 0.00003; 1000 Genomes Project 30x 0.00047; ExAC 0.00003; gnomAD exomes 0.00010 and 0.00001; TOPMed 0.00003; 1000 Genomes Project 0.00060.
gnomAD v4.1: 27 of 1,605,190 alleles (0.0017%); highest among the groups gnomAD compares: East Asian, 0.056%; no homozygotes.

Submissions (2):

New York Genome Center
Classification: Uncertain significance for Megalencephalic leukoencephalopathy with subcortical cysts 2B, remitting, with or without impaired intellectual development. Last evaluated: 2023-05-11. Review status: criteria provided, single submitter. Criteria: NYGC Assertion Criteria 2020. Collection method: clinical testing. Allele origin: inherited. Observed: 1 heterozygote.
Comment: It has also been deposited in ClinVar [ClinVar ID: 562146] as Likely Pathogenic (1 submission). The c.803+1G>A variant is observed in 34 out of~590,062 heterozygous alleles (no homozygotes) in population databases (gnomAD v2.1.1 and v3.1.2, TOPMed Freeze 8; Allele frequency in East Asiansubpopulation is ~0.12%). The c.803+1G>A variant is located in the canonical splice donor site in intron 4 of this 7-exon gene and is presumed to result in loss of nativesplice donor site, which might result in loss-of-function either through protein truncation or nonsense-mediated mRNA decay. Loss-of-function is not an established disease mechanism for autosomal dominant MLC2B. Given its relatively high occurrence in the population databases, lack of functional studies, and its inheritance from an apparently unaffected parent of this individual, the c.803+1G>A splice-site variant identified in the HEPACAM gene is classified as a Variant of Uncertain Significance for autosomal dominant MLC2B.

Liping Wei Laboratory, Peking University
Classification: Likely pathogenic for Autism spectrum disorder. Last evaluated: 2018-08-01. Review status: criteria provided, single submitter. Criteria: Zhou et al. (Hum Mutat. 2019). Collection method: research. Allele origin: paternal. Affected: yes. Observed: 1 variant allele.

NM_152722.5(HEPACAM):c.803+1G>A

Gene: HEPACAM (hepatic and glial cell adhesion molecule; minus strand). Cytogenetic location: 11q24.2.
Variant type: single nucleotide variant.
Coding change: c.803+1G>A on transcript NM_152722.5 (MANE Select); the canonical splice donor site of the intron after coding-DNA position 803, G replaced by A.
Molecular consequence: splice donor variant.
Genome position (GRCh38, 1-based): chr11:124,923,339, C>T on the plus strand (G>A on the coding strand, the complement: HEPACAM is on the minus strand). VCF-style: chr11-124923339-C-T. GRCh37 (hg19) VCF-style: chr11-124793235-C-T.
Other names: c.803+1G>A (NM_001411043.1).
Identifiers: ClinVar variation 562146 (VCV000562146.5), dbSNP rs375712202, ClinGen allele CA6345654.